The following is an entry in ClinVar:

ClinVar aggregate classification (germline): Likely pathogenic. Review status: criteria provided, multiple submitters, no conflicts (2 of 4 stars). 2 submissions from 2 submitters: Likely pathogenic (2). Last evaluated 2019-12-27.

Submissions (2):

GeneDx
Classification: Likely pathogenic. Last evaluated: 2019-12-27. Review status: criteria provided, single submitter. Criteria: GeneDx Variant Classification Process June 2021. Collection method: clinical testing. Allele origin: germline. Affected: yes.
Comment: Not observed in large population cohorts (Lek et al., 2016); In silico analysis, which includes protein predictors and evolutionary conservation, supports a deleterious effect; The majority of missense variants in this gene are considered pathogenic (Stenson et al., 2014); A different missense change at this residue (V250I) has been reported in the Human Gene Mutation Database (Stenson et al., 2014); This substitution is predicted to be within the transmembrane segment S5 of the first homologous domain; Has not been previously published as pathogenic or benign to our knowledge

CeGaT Center for Human Genetics Tuebingen
Classification: Likely pathogenic. Last evaluated: 2017-03-31. Review status: criteria provided, single submitter. Criteria: Praxis fuer Humangenetik Tuebingen - Variant Classification Criteria. Collection method: clinical testing. Allele origin: germline. Affected: yes. Observed: 1 variant allele.

NM_001165963.4(SCN1A):c.749T>A (p.Val250Glu)

Gene: SCN1A (sodium voltage-gated channel alpha subunit 1; minus strand). Cytogenetic location: 2q24.3.
Variant type: single nucleotide variant.
Coding change: c.749T>A on transcript NM_001165963.4 (MANE Select); coding-DNA position 749, T replaced by A.
Protein change: p.Val250Glu; replaces valine 250 with glutamic acid.
Molecular consequence: missense variant. On other transcripts: 5 prime UTR variant (1), non-coding transcript variant (1).
Genome position (GRCh38, 1-based): chr2:166,051,934, A>T on the plus strand (T>A on the coding strand, the complement: SCN1A is on the minus strand). VCF-style: chr2-166051934-A-T. GRCh37 (hg19) VCF-style: chr2-166908444-A-T.
Other names: c.749T>A, p.Val250Glu (NM_001165964.3, NM_001202435.3, NM_001353948.2 and 10 more transcripts); c.-1677T>A (NM_001353961.2); short protein forms V250E.
Identifiers: ClinVar variation 444533 (VCV000444533.5), dbSNP rs1553549845, ClinGen allele CA349073616.
Genomic context (GRCh38, chr2:166,051,934, plus strand): 5'-ATGAACAGCTGCAGCCCAATTAGAGCAAATACGCTCAGACAGAACACAGTCAGGATCATT[A>T]CATCTGAGAGCTTCTTCACAGACTGGATCAGGGCTCCCACAATGGTTTTCAGGCCTGAAA-3'
Protein context (NP_001159435.1, residues 240-260): LIQSVKKLSD[Val250Glu]MILTVFCLSV